The following is an entry in ClinVar:

ClinVar aggregate classification (germline): Uncertain significance (1 of 4 stars; one submission).

Allele frequency attached by ClinVar (database versions not stated): gnomAD 0.00001.
gnomAD v4.1: 1 of 1,613,928 alleles (0.000062%); highest among the groups gnomAD compares: Admixed American, 0.0017%; no homozygotes.

Submission:

Labcorp Genetics (formerly Invitae), Labcorp
Classification: Uncertain significance. Last evaluated: 2025-11-03. Review status: criteria provided, single submitter. Criteria: Invitae Variant Classification Sherloc (09022015). Collection method: clinical testing. Allele origin: germline.
Comment: This sequence change replaces cysteine, which is neutral and slightly polar, with tyrosine, which is neutral and polar, at codon 2137 of the KMT2A protein (p.Cys2137Tyr). This variant is not present in population databases (gnomAD no frequency). This variant has not been reported in the literature in individuals affected with KMT2A-related conditions. ClinVar contains an entry for this variant (Variation ID: 2998133). Invitae Evidence Modeling of protein sequence and biophysical properties (such as structural, functional, and spatial information, amino acid conservation, physicochemical variation, residue mobility, and thermodynamic stability) indicates that this missense variant is not expected to disrupt KMT2A protein function with a negative predictive value of 95%. In summary, the available evidence is currently insufficient to determine the role of this variant in disease. Therefore, it has been classified as a Variant of Uncertain Significance.

NM_001197104.2(KMT2A):c.6410G>A (p.Cys2137Tyr)

Gene: KMT2A (lysine methyltransferase 2A; plus strand). Cytogenetic location: 11q23.3.
Variant type: single nucleotide variant.
Coding change: c.6410G>A on transcript NM_001197104.2 (MANE Select); coding-DNA position 6410, G replaced by A.
Protein change: p.Cys2137Tyr; replaces cysteine 2137 with tyrosine.
Molecular consequence: missense variant.
Genome position (GRCh38, 1-based): chr11:118,501,762, G>A. VCF-style: chr11-118501762-G-A. GRCh37 (hg19) VCF-style: chr11-118372477-G-A.
Other names: c.6500G>A, p.Cys2167Tyr (NM_001412597.1); c.6401G>A, p.Cys2134Tyr (NM_005933.4); short protein forms C2134Y, C2167Y, C2137Y.
Identifiers: ClinVar variation 2998133 (VCV002998133.3), dbSNP rs1591279353, ClinGen allele CA382801738.
Genomic context (GRCh38, chr11:118,501,762, plus strand): 5'-CTGAAATTATAAGTCCTCCATCACCAGACCGACCTCCTCATTCACAAACCTCTGGCTCCT[G>A]TTATTATCATGTCATCTCAAAGGTCCCCAGGATTCGAACACCCAGTTATTCTCCAACACA-3'
Protein context (NP_001184033.1, residues 2127-2147): RPPHSQTSGS[Cys2137Tyr]YYHVISKVPR